The following is an entry in ClinVar:

ClinVar aggregate classification (germline): Uncertain significance (1 of 4 stars; one submission).

Conditions:
Cardiomyopathy (CMYO). Also called: Cardiomyopathies. Identifiers: Orphanet 167848, MedGen C0878544, MONDO:0004994, HP:0001638. Inheritance: Various modes of inheritance.

gnomAD v4.1: 2 of 1,611,382 alleles (0.00012%); highest among the groups gnomAD compares: Non-Finnish European, 0.00017%; no homozygotes.

Submission:

Color Diagnostics, LLC DBA Color Health
Classification: Uncertain significance for Cardiomyopathy. Last evaluated: 2025-09-08. Review status: criteria provided, single submitter. Criteria: ACMG Guidelines, 2015. Collection method: clinical testing. Allele origin: germline.
Comment: This missense variant replaces leucine with valine at codon 748 of the RYR2 protein. Computational prediction suggests that this variant may not impact protein structure and function. To our knowledge, functional studies have not been reported for this variant. This variant has not been reported in individuals affected with RYR2-related disorders in the literature. This variant has not been identified in the general population by the Genome Aggregation Database (gnomAD). The available evidence is insufficient to determine the role of this variant in disease conclusively. Therefore, this variant is classified as a Variant of Uncertain Significance.

NM_001035.3(RYR2):c.2242C>G (p.Leu748Val)

Gene: RYR2 (ryanodine receptor 2; plus strand). Cytogenetic location: 1q43.
Variant type: single nucleotide variant.
Coding change: c.2242C>G on transcript NM_001035.3 (MANE Select); coding-DNA position 2242, C replaced by G.
Protein change: p.Leu748Val; replaces leucine 748 with valine.
Molecular consequence: missense variant.
Genome position (GRCh38, 1-based): chr1:237,500,749, C>G. VCF-style: chr1-237500749-C-G. GRCh37 (hg19) VCF-style: chr1-237664049-C-G.
Other names: short protein forms L748V.
Identifiers: ClinVar variation 4756521 (VCV004756521.1).